The following is an entry in ClinVar:

NM_001130009.3(GEN1):c.2016G>C (p.Leu672Phe)

Gene: GEN1 (GEN1 Holliday junction 5' flap endonuclease; plus strand). Cytogenetic location: 2p24.2.
Variant type: single nucleotide variant.
Coding change: c.2016G>C on transcript NM_001130009.3 (MANE Select); coding-DNA position 2016, G replaced by C.
Protein change: p.Leu672Phe; replaces leucine 672 with phenylalanine.
Molecular consequence: missense variant.
Genome position (GRCh38, 1-based): chr2:17,781,228, G>C. VCF-style: chr2-17781228-G-C. GRCh37 (hg19) VCF-style: chr2-17962495-G-C.
Other names: c.2016G>C, p.Leu672Phe (NM_182625.5); short protein forms L672F.
Identifiers: ClinVar variation 4029280 (VCV004029280.1).

ClinVar aggregate classification (germline): Uncertain significance (1 of 4 stars; one submission).

Submission:

Ambry Genetics
Classification: Uncertain significance. Last evaluated: 2025-05-07. Review status: criteria provided, single submitter. Criteria: Ambry Variant Classification Scheme 2023. Collection method: clinical testing. Allele origin: germline.
Comment: The p.L672F variant (also known as c.2016G>C), located in coding exon 13 of the GEN1 gene, results from a G to C substitution at nucleotide position 2016. The leucine at codon 672 is replaced by phenylalanine, an amino acid with highly similar properties. This amino acid position is conserved. In addition, this alteration is predicted to be tolerated by in silico analysis. Based on the available evidence, the clinical significance of this variant remains unclear.